The following is an entry in ClinVar:

ClinVar aggregate classification (germline): Uncertain significance (1 of 4 stars; one submission).

gnomAD v4.1: 59 of 1,614,028 alleles (0.0037%); highest among the groups gnomAD compares: African/African-American, 0.055%; no homozygotes.

Submissions (2):

Genetic Services Laboratory, University of Chicago
Classification: Uncertain significance. Last evaluated: 2023-05-10. Review status: criteria provided, single submitter. Criteria: ACMG Guidelines, 2015. Collection method: clinical testing. Allele origin: germline. Affected: no.
Comment: DNA sequence analysis of the APOL1 gene demonstrated a sequence change, c.914G>A, in exon 6 that results in an amino acid change, p.Arg305Gln. This sequence change has been described in the gnomAD database with a frequency of 0.052% in the African/African American subpopulation (dbSNP rs150588135). The p.Arg305Gln change affects a poorly conserved amino acid residue located in a domain of the APOL1 protein that is known to be functional. The p.Arg305Gln substitution appears to be benign using several in-silico pathogenicity prediction tools (SIFT, PolyPhen2, Align GVGD, REVEL). This sequence change does not appear to have been previously described in individuals with APOL1-related disorders. Due to insufficient evidences and the lack of functional studies, the clinical significance of the p.Arg305Gln change remains unknown at this time.

Dr. Peter K. Rogan Lab, Western University
No classification provided (evidence only). Condition: Malignant tumor of esophagus. Review status: no classification provided. Collection method: in vitro. Allele origin: not applicable. Functional consequence: retained intron. Not counted in ClinVar's aggregate classification.

NM_003661.4(APOL1):c.914G>A (p.Arg305Gln)

Gene: APOL1 (apolipoprotein L1; plus strand). Cytogenetic location: 22q12.3.
Variant type: single nucleotide variant.
Coding change: c.914G>A on transcript NM_003661.4 (MANE Select); coding-DNA position 914, G replaced by A.
Protein change: p.Arg305Gln; replaces arginine 305 with glutamine.
Molecular consequence: missense variant.
Genome position (GRCh38, 1-based): chr22:36,265,750, G>A. VCF-style: chr22-36265750-G-A. GRCh37 (hg19) VCF-style: chr22-36661796-G-A.
Other names: NC_000022.10:g.36661796G>A; c.914G>A, p.Arg305Gln (NM_001136540.2); c.860G>A, p.Arg287Gln (NM_001136541.2, NM_001362927.2); c.962G>A, p.Arg321Gln (NM_145343.3); short protein forms R287Q, R305Q, R321Q.
Identifiers: ClinVar variation 4082471 (VCV004082471.2).